The following is an entry in ClinVar:

ClinVar aggregate classification (germline): Uncertain significance. Review status: criteria provided, single submitter (1 of 4 stars). 2 submissions from 2 submitters: Uncertain significance (1). 1 of the submissions does not count toward it. Last evaluated 2025-01-06.

Conditions:
Retinal dystrophy. Also called: Inherited retinal dystrophy. Identifiers: Orphanet 71862, MedGen C0854723, MeSH D058499, MONDO:0019118, HP:0000556.
Short-rib thoracic dysplasia 11 with or without polydactyly (SRTD11). Also called: SHORT-RIB THORACIC DYSPLASIA 11 WITHOUT POLYDACTYLY. Identifiers: Orphanet 474, Orphanet 93271, MedGen C3810200, MONDO:0014287, OMIM 615633.

Allele frequency attached by ClinVar (database versions not stated): gnomAD exomes 0.00001; TOPMed 0.00001; ExAC 0.00007.
gnomAD v4.1: 7 of 1,580,368 alleles (0.00044%); highest among the groups gnomAD compares: East Asian, 0.0023%; no homozygotes.

Submissions (2):

Labcorp Genetics (formerly Invitae), Labcorp
Classification: Uncertain significance for Short-rib thoracic dysplasia 11 with or without polydactyly. Last evaluated: 2025-01-06. Review status: criteria provided, single submitter. Criteria: Invitae Variant Classification Sherloc (09022015). Collection method: clinical testing. Allele origin: germline.
Comment: This sequence change replaces threonine, which is neutral and polar, with methionine, which is neutral and non-polar, at codon 228 of the WDR34 protein (p.Thr228Met). The frequency data for this variant in the population databases is considered unreliable, as metrics indicate poor data quality at this position in the gnomAD database. This variant has not been reported in the literature in individuals affected with WDR34-related conditions. ClinVar contains an entry for this variant (Variation ID: 2200169). An algorithm developed to predict the effect of missense changes on protein structure and function (PolyPhen-2) suggests that this variant is likely to be disruptive. In summary, the available evidence is currently insufficient to determine the role of this variant in disease. Therefore, it has been classified as a Variant of Uncertain Significance.

Institute of Human Genetics, Univ. Regensburg, Univ. Regensburg
Classification: Uncertain significance for Retinal dystrophy. Last evaluated: 2022-01-01. Review status: no assertion criteria provided. Criteria: ACMG Guidelines, 2015. Collection method: clinical testing. Allele origin: germline. Affected: yes. Not counted in ClinVar's aggregate classification.

NM_052844.4(DYNC2I2):c.683C>T (p.Thr228Met)

Gene: DYNC2I2 (dynein 2 intermediate chain 2; minus strand). Cytogenetic location: 9q34.11.
Variant type: single nucleotide variant.
Coding change: c.683C>T on transcript NM_052844.4 (MANE Select); coding-DNA position 683, C replaced by T.
Protein change: p.Thr228Met; replaces threonine 228 with methionine.
Molecular consequence: missense variant.
Genome position (GRCh38, 1-based): chr9:128,636,301, G>A on the plus strand (C>T on the coding strand, the complement: DYNC2I2 is on the minus strand). VCF-style: chr9-128636301-G-A. GRCh37 (hg19) VCF-style: chr9-131398580-G-A.
Other names: short protein forms T228M.
Identifiers: ClinVar variation 2200169 (VCV002200169.3), dbSNP rs771473147, ClinGen allele CA5266527.